The following is an entry in ClinVar:

NM_001844.5(COL2A1):c.3582C>T (p.Gly1194=)

Gene: COL2A1 (collagen type II alpha 1 chain; minus strand). Cytogenetic location: 12q13.11.
Variant type: single nucleotide variant.
Coding change: c.3582C>T on transcript NM_001844.5 (MANE Select); coding-DNA position 3582, C replaced by T.
Protein change: p.Gly1194=; no amino-acid change (glycine 1194 retained).
Molecular consequence: synonymous variant.
Genome position (GRCh38, 1-based): chr12:47,975,978, G>A on the plus strand (C>T on the coding strand, the complement: COL2A1 is on the minus strand). VCF-style: chr12-47975978-G-A. GRCh37 (hg19) VCF-style: chr12-48369761-G-A.
Other names: c.3375C>T, p.Gly1125= (NM_033150.3); c.3582C>T (NM_001844.4).
Identifiers: ClinVar variation 1346139 (VCV001346139.8), dbSNP rs566528045, ClinGen allele CA6534701.

ClinVar aggregate classification (germline): Uncertain significance. Review status: criteria provided, multiple submitters, no conflicts (2 of 4 stars). 3 submissions from 3 submitters: Uncertain significance (3). Last evaluated 2026-02-12.

Conditions:
COL2A1-related disorder. Also called: COL2A1-related condition; COL2A1-related disorders.

Allele frequency attached by ClinVar (database versions not stated): gnomAD exomes 0.00001 and 0.00002; ExAC 0.00005; 1000 Genomes Project 30x 0.00016; 1000 Genomes Project 0.00020.
gnomAD v4.1: 24 of 1,613,374 alleles (0.0015%); highest among the groups gnomAD compares: Middle Eastern, 0.017%; no homozygotes.

Submissions (3):

PreventionGenetics, part of Exact Sciences
Classification: Uncertain significance for COL2A1-related condition. Last evaluated: 2026-02-12. Review status: criteria provided, single submitter. Criteria: ACMG Guidelines, 2015. Collection method: clinical testing. Allele origin: germline.
Comment: The COL2A1 c.3582C>T variant is not predicted to result in an amino acid change (p.=). This variant is predicted to alter splicing based on available splicing prediction programs (SpliceAI, Jaganathan et al. 2019. PubMed ID: 30661751). However, the use of computer prediction programs is not equivalent to functional evidence. To our knowledge, this variant has not been reported in the literature. This variant is reported in 0.0098% of alleles in individuals of South Asian descent in gnomAD. At this time, the clinical significance of this variant is uncertain due to the absence of conclusive functional and genetic evidence.

Labcorp Genetics (formerly Invitae), Labcorp
Classification: Uncertain significance. Last evaluated: 2025-02-02. Review status: criteria provided, single submitter. Criteria: Invitae Variant Classification Sherloc (09022015). Collection method: clinical testing. Allele origin: germline.
Comment: This sequence change affects codon 1194 of the COL2A1 mRNA. It is a 'silent' change, meaning that it does not change the encoded amino acid sequence of the COL2A1 protein. This variant is present in population databases (rs566528045, gnomAD 0.01%). This variant has not been reported in the literature in individuals affected with COL2A1-related conditions. ClinVar contains an entry for this variant (Variation ID: 1346139). Algorithms developed to predict the effect of sequence changes on RNA splicing suggest that this variant may create or strengthen a splice site. In summary, the available evidence is currently insufficient to determine the role of this variant in disease. Therefore, it has been classified as a Variant of Uncertain Significance.

GeneDx
Classification: Uncertain significance. Last evaluated: 2024-03-29. Review status: criteria provided, single submitter. Criteria: GeneDx Variant Classification Process June 2021. Collection method: clinical testing. Allele origin: germline. Affected: yes.
Comment: In silico analysis supports a deleterious effect on splicing; Has not been previously published as pathogenic or benign to our knowledge